The following is an entry in ClinVar:

ClinVar aggregate classification (germline): Uncertain significance (1 of 4 stars; one submission).

Conditions:
Developmental and epileptic encephalopathy. Identifiers: MedGen C5779964, MONDO:0100620.

gnomAD v4.1: 1 of 1,613,542 alleles (0.000062%); highest among the groups gnomAD compares: Admixed American, 0.0017%; no homozygotes.

Submission:

Unidad de Genómica Garrahan, Hospital de Pediatría Garrahan
Classification: Uncertain significance for Developmental and epileptic encephalopathy. Last evaluated: 2024-01-01. Review status: criteria provided, single submitter. Criteria: ACMG Guidelines, 2015. Collection method: clinical testing. Allele origin: maternal. Affected: yes. Observed: 1 variant allele.
Comment: ACMG/AMP criteria applied: PM2_moderate, PM3_moderate. Observed in compound heterozygosity with NM_015466.4:c.3946_3947del; (p.Leu1316GlufsTer41).

NM_015466.4(PTPN23):c.164C>T (p.Ala55Val)

Gene: PTPN23 (protein tyrosine phosphatase non-receptor type 23; plus strand). Cytogenetic location: 3p21.31.
Variant type: single nucleotide variant.
Coding change: c.164C>T on transcript NM_015466.4 (MANE Select); coding-DNA position 164, C replaced by T.
Protein change: p.Ala55Val; replaces alanine 55 with valine.
Molecular consequence: missense variant. On other transcripts: intron variant (1).
Genome position (GRCh38, 1-based): chr3:47,404,656, C>T. VCF-style: chr3-47404656-C-T. GRCh37 (hg19) VCF-style: chr3-47446146-C-T.
Other names: NP_056281.1:p.(Ala55Val); c.-91-349C>T (NM_001304482.2); short protein forms A55V.
Identifiers: ClinVar variation 4851548 (VCV004851548.1).